The following is an entry in ClinVar:

NM_033305.3(VPS13A):c.3645C>A (p.Ala1215=)

Gene: VPS13A (vacuolar protein sorting 13 homolog A; plus strand). Cytogenetic location: 9q21.2.
Variant type: single nucleotide variant.
Coding change: c.3645C>A on transcript NM_033305.3 (MANE Select); coding-DNA position 3645, C replaced by A.
Protein change: p.Ala1215=; no amino-acid change (alanine 1215 retained).
Molecular consequence: synonymous variant.
Genome position (GRCh38, 1-based): chr9:77,295,679, C>A. VCF-style: chr9-77295679-C-A. GRCh37 (hg19) VCF-style: chr9-79910595-C-A.
Other names: p.Ala1215=; c.3528C>A, p.Ala1176= (NM_001018037.2); c.3645C>A, p.Ala1215= (NM_001018038.3, NM_015186.4).
Identifiers: ClinVar variation 367376 (VCV000367376.54), dbSNP rs138687767, ClinGen allele CA5092309.

ClinVar aggregate classification (germline): Benign/Likely benign. Review status: criteria provided, multiple submitters, no conflicts (2 of 4 stars). 10 submissions from 10 submitters: Benign (5); Likely benign (2). 3 of the submissions do not count toward it. Last evaluated 2026-09-01.

Conditions:
VPS13A-related neurodegenerative disease. Also called: Chorea-acanthocytosis; VPS13A Disease; Choreaacanthocytosis; ACANTHOCYTOSIS WITH NEUROLOGIC DISORDER; LEVINE-CRITCHLEY SYNDROME; Choreoacanthocytosis. Identifiers: Orphanet 2388, MedGen C0393576, MONDO:0008695, OMIM 200150.

Allele frequency attached by ClinVar (database versions not stated): 1000 Genomes Project 30x 0.00500; 1000 Genomes Project 0.00539; ESP Exome Variant Server 0.00561; TOPMed 0.00575; gnomAD 0.00580 and 0.00582.
gnomAD v4.1: 9,825 of 1,613,992 alleles (0.61%); highest among the groups gnomAD compares: South Asian, 1.2%; 45 homozygotes.

Submissions (10):

CeGaT Center for Human Genetics Tuebingen
Classification: Benign. Last evaluated: 2026-09-01. Review status: criteria provided, single submitter. Criteria: CeGaT Center For Human Genetics Tuebingen Variant Classification Criteria Version 2. Collection method: clinical testing. Allele origin: germline. Affected: yes. Observed: 18 variant alleles.
Comment: VPS13A: BP4, BP7, BS1, BS2

Labcorp Genetics (formerly Invitae), Labcorp
Classification: Benign. Last evaluated: 2026-02-01. Review status: criteria provided, single submitter. Criteria: Invitae Variant Classification Sherloc (09022015). Collection method: clinical testing. Allele origin: germline.

Mayo Clinic Laboratories, Mayo Clinic
Classification: Benign. Last evaluated: 2023-02-21. Review status: criteria provided, single submitter. Criteria: ACMG Guidelines, 2015. Collection method: clinical testing. Allele origin: germline. Observed: 10 variant alleles.
Comment: BS1, BS2, BP4, BP7

GeneDx
Classification: Likely benign. Last evaluated: 2021-07-07. Review status: criteria provided, single submitter. Criteria: GeneDx Variant Classification Process June 2021. Collection method: clinical testing. Allele origin: germline. Affected: yes.

Genome-Nilou Lab
Classification: Benign for VPS13A-related neurodegenerative disease. Last evaluated: 2021-05-18. Review status: criteria provided, single submitter. Criteria: ACMG Guidelines, 2015. Collection method: clinical testing. Allele origin: germline. Affected: no.

Illumina Laboratory Services, Illumina
Classification: Benign for VPS13A-related neurodegenerative disease. Last evaluated: 2018-01-13. Review status: criteria provided, single submitter. Criteria: ICSL Variant Classification Criteria 13 December 2019. Collection method: clinical testing. Allele origin: germline.
Comment: This variant was observed in the ICSL laboratory as part of a predisposition screen in an ostensibly healthy population. It had not been previously curated by ICSL or reported in the Human Gene Mutation Database (HGMD: prior to June 1st, 2018), and was therefore a candidate for classification through an automated scoring system. Utilizing variant allele frequency, disease prevalence and penetrance estimates, and inheritance mode, an automated score was calculated to assess if this variant is too frequent to cause the disease. Based on the score and internal cut-off values, a variant classified as benign is not then subjected to further curation. The score for this variant resulted in a classification of benign for this disease.

Breakthrough Genomics
Classification: Likely benign. Review status: criteria provided, single submitter. Criteria: ACMG Guidelines, 2015. Collection method: not provided. Allele origin: germline. Inheritance: Autosomal recessive inheritance. Affected: yes.

Natera, Inc.
Classification: Benign for Choreaacanthocytosis. Last evaluated: 2019-11-11. Review status: no assertion criteria provided. Collection method: clinical testing. Allele origin: germline. Not counted in ClinVar's aggregate classification.

Clinical Genetics DNA and cytogenetics Diagnostics Lab, Erasmus MC, Erasmus Medical Center
Classification: Likely benign. Review status: no assertion criteria provided. Collection method: clinical testing. Allele origin: germline. Affected: yes. Study: VKGL Data-share Consensus. Not counted in ClinVar's aggregate classification.

Genome Diagnostics Laboratory, Amsterdam University Medical Center
Classification: Benign. Review status: no assertion criteria provided. Collection method: clinical testing. Allele origin: germline. Affected: yes. Study: VKGL Data-share Consensus. Not counted in ClinVar's aggregate classification.